The following is an entry in ClinVar:

NM_001365276.2(TNXB):c.6649C>A (p.Pro2217Thr)

Gene: TNXB (tenascin XB; minus strand). Cytogenetic location: 6p21.33.
Variant type: single nucleotide variant.
Coding change: c.6649C>A on transcript NM_001365276.2 (MANE Select); coding-DNA position 6649, C replaced by A.
Protein change: p.Pro2217Thr; replaces proline 2217 with threonine.
Molecular consequence: missense variant.
Genome position (GRCh38, 1-based): chr6:32,065,013, G>T on the plus strand (C>A on the coding strand, the complement: TNXB is on the minus strand). VCF-style: chr6-32065013-G-T. GRCh37 (hg19) VCF-style: chr6-32032790-G-T.
Other names: p.Pro2217Thr; c.6649C>A, p.Pro2217Thr (NM_019105.8); short protein forms P2217T.
Identifiers: ClinVar variation 809901 (VCV000809901.64), dbSNP rs142409885, ClinGen allele CA3734367.

ClinVar aggregate classification (germline): Conflicting classifications of pathogenicity. Review status: criteria provided, conflicting classifications (1 of 4 stars). 10 submissions from 10 submitters: Uncertain significance (3); Likely benign (6). 1 of the submissions does not count toward it. Last evaluated 2026-06-01.

Conditions:
Vesicoureteral reflux 8 (VUR8). Identifiers: Orphanet 289365, MedGen C4014831, MONDO:0014422, OMIM 615963.
Ehlers-Danlos syndrome (EDS). Identifiers: Orphanet 98249, MedGen C0013720, MONDO:0020066.
Ehlers-Danlos syndrome due to tenascin-X deficiency (EDSCLL1). Also called: EDS DUE TO TNX DEFICIENCY; EHLERS-DANLOS SYNDROME, CLASSIC-LIKE; Ehlers-Danlos syndrome, classic-like, 1; TNXB-Related Classical-Like Ehlers-Danlos Syndrome; TNX DEFICIENCY. Identifiers: Orphanet 230839, MedGen C1848029, MONDO:0011670, OMIM 606408.
TNXB-related disorder. Also called: TNXB-related condition.
Cardiovascular phenotype. Identifiers: MedGen CN230736.

Allele frequency attached by ClinVar (database versions not stated): 1000 Genomes Project 30x 0.00062; 1000 Genomes Project 0.00080; gnomAD exomes 0.00115 and 0.00200; gnomAD 0.00139 and 0.00141; TOPMed 0.00142; ExAC 0.00146; ESP Exome Variant Server 0.00171.
gnomAD v4.1: 3,101 of 1,611,186 alleles (0.19%); highest among the groups gnomAD compares: Non-Finnish European, 0.24%; 6 homozygotes.

Submissions (10):

CeGaT Center for Human Genetics Tuebingen
Classification: Likely benign. Last evaluated: 2026-06-01. Review status: criteria provided, single submitter. Criteria: CeGaT Center For Human Genetics Tuebingen Variant Classification Criteria Version 2. Collection method: clinical testing. Allele origin: germline. Affected: yes. Observed: 7 variant alleles.
Comment: TNXB: BP4

Women's Health and Genetics/Laboratory Corporation of America, LabCorp
Classification: Likely benign. Last evaluated: 2026-04-01. Review status: criteria provided, single submitter. Criteria: LabCorp Variant Classification Summary - May 2015. Collection method: clinical testing. Allele origin: germline.
Comment: Variant summary: TNXB c.6649C>A (p.Pro2217Thr) results in a non-conservative amino acid change located in the Fibronectin type III (IPR003961) of the encoded protein sequence. Algorithms developed to predict the effect of missense changes on protein structure and function are either unavailable or do not agree on the potential impact of this missense change. The variant allele was found at a frequency of 0.0011 in 240394 control chromosomes, predominantly at a frequency of 0.002 within the Non-Finnish European subpopulation in the gnomAD database. The observed variant frequency within Non-Finnish European control individuals in the gnomAD database exceeds the estimated maximal expected allele frequency for disease-causing variants in TNXB. c.6649C>A has been observed in an individual affected with vesicoureteric reflux (Tokhmafshan_2020). This report does not provide unequivocal conclusions about association of the variant with Ehlers-Danlos-like syndrome. To our knowledge, no experimental evidence demonstrating an impact on protein function has been reported. The following publication has been ascertained in the context of this evaluation (PMID: 31702543). ClinVar contains an entry for this variant (Variation ID: 809901). Based on the evidence outlined above, the variant was classified as likely benign.

Labcorp Genetics (formerly Invitae), Labcorp
Classification: Likely benign. Last evaluated: 2026-01-28. Review status: criteria provided, single submitter. Criteria: Invitae Variant Classification Sherloc (09022015). Collection method: clinical testing. Allele origin: germline.

GeneDx
Classification: Uncertain significance. Last evaluated: 2025-10-14. Review status: criteria provided, single submitter. Criteria: GeneDx Variant Classification Process June 2021. Collection method: clinical testing. Allele origin: germline. Affected: yes.
Comment: Reported in a pediatric patient with vesicoureteric reflux, but no other features of a connective tissue disorder were reported (PMID: 31702543); In silico analysis supports that this missense variant has a deleterious effect on protein structure/function; This variant is associated with the following publications: (PMID: 27463017, 31702543)

Revvity Omics, Revvity
Classification: Uncertain significance for Vesicoureteral reflux 8. Last evaluated: 2024-12-17. Review status: criteria provided, single submitter. Criteria: ACMG Guidelines, 2015. Collection method: clinical testing. Allele origin: germline.

Mayo Clinic Laboratories, Mayo Clinic
Classification: Likely benign. Last evaluated: 2024-12-04. Review status: criteria provided, single submitter. Criteria: ACMG Guidelines, 2015. Collection method: clinical testing. Allele origin: germline. Observed: 10 variant alleles.
Comment: BS1, BP4

MGZ Medical Genetics Center
Classification: Uncertain significance for Ehlers-Danlos syndrome due to tenascin-X deficiency. Last evaluated: 2022-01-14. Review status: criteria provided, single submitter. Criteria: ACMG Guidelines, 2015. Collection method: clinical testing. Allele origin: germline. Affected: yes. Observed: 1 variant allele.
Comment: ACMG criteria applied: BS1

Genome Diagnostics Laboratory, The Hospital for Sick Children
Classification: Likely benign for Ehlers-Danlos syndrome. Last evaluated: 2021-03-19. Review status: criteria provided, single submitter. Criteria: ACMG Guidelines, 2015. Collection method: clinical testing. Allele origin: germline.

Ambry Genetics
Classification: Likely benign for Cardiovascular phenotype. Last evaluated: 2019-09-26. Review status: criteria provided, single submitter. Criteria: Ambry Variant Classification Scheme 2023. Collection method: clinical testing. Allele origin: germline.

PreventionGenetics, part of Exact Sciences
Classification: Likely benign for TNXB-related condition. Last evaluated: 2024-09-04. Review status: no assertion criteria provided. Collection method: clinical testing. Allele origin: germline. Not counted in ClinVar's aggregate classification.
Comment: This variant is classified as likely benign based on ACMG/AMP sequence variant interpretation guidelines (Richards et al. 2015 PMID: 25741868, with internal and published modifications).

Literature cited by the submitters: PubMed 31702543 (cited by Women's Health and Genetics/Laboratory Corporation of America, LabCorp and Mayo Clinic Laboratories, Mayo Clinic).